The following is an entry in ClinVar:

NM_004408.4(DNM1):c.1905+133C>G

Gene: DNM1 (dynamin 1; plus strand). Cytogenetic location: 9q34.11.
Variant type: single nucleotide variant.
Coding change: c.1905+133C>G on transcript NM_004408.4 (MANE Select); 133 bases into the intron after coding-DNA position 1905, C replaced by G.
Molecular consequence: intron variant.
Genome position (GRCh38, 1-based): chr9:128,248,068, C>G. VCF-style: chr9-128248068-C-G. GRCh37 (hg19) VCF-style: chr9-131010347-C-G.
Other names: c.1905+133C>G (NM_001005336.3, NM_001288738.2, NM_001288737.2 and 1 more transcripts).
Identifiers: ClinVar variation 677679 (VCV000677679.1), dbSNP rs112610495, ClinGen allele CA5258383.

ClinVar aggregate classification (germline): Likely benign (1 of 4 stars; one submission).

Allele frequency attached by ClinVar (database versions not stated): 1000 Genomes Project 0.00819; TOPMed 0.00675; 1000 Genomes Project 30x 0.00828.

Submission:

GeneDx
Classification: Likely benign. Last evaluated: 2018-06-19. Review status: criteria provided, single submitter. Criteria: GeneDx Variant Classification (06012015). Collection method: clinical testing. Allele origin: germline. Affected: yes.
Comment: This variant is considered likely benign or benign based on one or more of the following criteria: it is a conservative change, it occurs at a poorly conserved position in the protein, it is predicted to be benign by multiple in silico algorithms, and/or has population frequency not consistent with disease.